The following is an entry in ClinVar:

ClinVar aggregate classification (germline): Uncertain significance (1 of 4 stars; one submission).

Conditions:
Malignant hyperthermia, susceptibility to, 5 (MHS5). Also called: CACNA1S-Related Malignant Hyperthermia Susceptibility. Identifiers: Orphanet 423, MedGen C1866077, MONDO:0011163, OMIM 601887.

Submission:

All of Us Research Program, National Institutes of Health
Classification: Uncertain significance for Malignant hyperthermia, susceptibility to, 5. Last evaluated: 2023-10-23. Review status: criteria provided, single submitter. Criteria: ACMG Guidelines, 2015. Collection method: clinical testing. Allele origin: germline. Inheritance: Autosomal dominant inheritance. Observed: 1 variant allele, 1 heterozygote.
Comment: This variant causes a C to A nucleotide substitution at the -12 position of intron 38 of the CACNA1S gene. To our knowledge, functional studies have not been reported for this variant. This variant has not been reported in individuals affected with CACNA1S-related disorders in the literature. This variant has not been identified in the general population by the Genome Aggregation Database (gnomAD). The available evidence is insufficient to determine the role of this variant in disease conclusively. Therefore, this variant is classified as a Variant of Uncertain Significance.

This study involves interpretation of variants in research participants for the purpose of population health screening. Participant phenotype was not available at the time of variant classification. Additional details can be found in publication PMID: 35346344, PMCID: PMC8962531

NM_000069.3(CACNA1S):c.4669-12C>A

Gene: CACNA1S (calcium voltage-gated channel subunit alpha1 S; minus strand). Cytogenetic location: 1q32.1.
Variant type: single nucleotide variant.
Coding change: c.4669-12C>A on transcript NM_000069.3 (MANE Select); 12 bases into the intron before coding-DNA position 4669, C replaced by A.
Molecular consequence: intron variant.
Genome position (GRCh38, 1-based): chr1:201,044,468, G>T on the plus strand (C>A on the coding strand, the complement: CACNA1S is on the minus strand). VCF-style: chr1-201044468-G-T. GRCh37 (hg19) VCF-style: chr1-201013596-G-T.
Identifiers: ClinVar variation 3074073 (VCV003074073.1), dbSNP rs781496753, ClinGen allele CA2649759302.
Genomic context (GRCh38, chr1:201,044,468, plus strand): 5'-TGCGACAGATCTCGGGGGCTGCCTCTTCCTCAATGGTCCGCAGCCCTGCCTGGGGATGAC[G>T]AAGGGACTCAGTTATCTCTCCAGCCCAGGAGAGGAGACCAGAACCACTTTTTCTTTTTTT-3'